The following is an entry in ClinVar:

NM_001349253.2(SCN11A):c.798C>T (p.Ile266=)

Gene: SCN11A (sodium voltage-gated channel alpha subunit 11; minus strand). Cytogenetic location: 3p22.2.
Variant type: single nucleotide variant.
Coding change: c.798C>T on transcript NM_001349253.2 (MANE Select); coding-DNA position 798, C replaced by T.
Protein change: p.Ile266=; no amino-acid change (isoleucine 266 retained).
Molecular consequence: synonymous variant.
Genome position (GRCh38, 1-based): chr3:38,921,170, G>A on the plus strand (C>T on the coding strand, the complement: SCN11A is on the minus strand). VCF-style: chr3-38921170-G-A. GRCh37 (hg19) VCF-style: chr3-38962661-G-A.
Other names: c.798C>T, p.Ile266= (NM_014139.3); c.798C>T (NM_014139.2).
Identifiers: ClinVar variation 2936449 (VCV002936449.4), dbSNP rs910354586, ClinGen allele CA72970851.

ClinVar aggregate classification (germline): Likely benign. Review status: criteria provided, multiple submitters, no conflicts (2 of 4 stars). 2 submissions from 2 submitters: Likely benign (2). Last evaluated 2026-03-31.

Conditions:
SCN11A-related disorder. Also called: SCN11A-related condition.
Hereditary sensory and autonomic neuropathy type 7. Also called: Neuropathy, hereditary sensory and autonomic, type VII; HSAN VII. Identifiers: Orphanet 391397, MedGen C3809882, MONDO:0014244, OMIM 615548.
Familial episodic pain syndrome with predominantly lower limb involvement. Also called: Episodic pain syndrome, familial, 3. Identifiers: Orphanet 391384, Orphanet 391392, MedGen C3809899, MONDO:0014247, OMIM 615552.

Allele frequency attached by ClinVar (database versions not stated): gnomAD exomes below 0.00001; gnomAD 0.00002; TOPMed 0.00004.
gnomAD v4.1: 4 of 1,614,010 alleles (0.00025%); highest among the groups gnomAD compares: African/African-American, 0.0053%; no homozygotes.

Submissions (2):

PreventionGenetics, part of Exact Sciences
Classification: Likely benign for SCN11A-related condition. Last evaluated: 2026-03-31. Review status: criteria provided, single submitter. Criteria: ACMG Guidelines, 2015. Collection method: clinical testing. Allele origin: germline.
Comment: This variant is classified as likely benign based on ACMG/AMP sequence variant interpretation guidelines (Richards et al. 2015 PMID: 25741868, with internal and published modifications).

Labcorp Genetics (formerly Invitae), Labcorp
Classification: Likely benign for Familial episodic pain syndrome with predominantly lower limb involvement; Hereditary sensory and autonomic neuropathy type 7. Last evaluated: 2024-02-12. Review status: criteria provided, single submitter. Criteria: Invitae Variant Classification Sherloc (09022015). Collection method: clinical testing. Allele origin: germline.